The following is an entry in ClinVar:

NM_001267550.2(TTN):c.81086G>A (p.Arg27029Lys)

Genes: TTN-AS1 (TTN antisense RNA 1; plus strand), TTN (titin; minus strand). Cytogenetic location: 2q31.2.
Variant type: single nucleotide variant.
Coding change: c.81086G>A on transcript NM_001267550.2 (MANE Select); coding-DNA position 81086, G replaced by A.
Protein change: p.Arg27029Lys; replaces arginine 27029 with lysine.
Molecular consequence: missense variant.
Genome position (GRCh38, 1-based): chr2:178,565,046, C>T on the plus strand (G>A on the coding strand, the complement: TTN is on the minus strand). VCF-style: chr2-178565046-C-T. GRCh37 (hg19) VCF-style: chr2-179429773-C-T.
Other names: p.R25388K:AGA>AAA; c.76163G>A, p.Arg25388Lys (NM_001256850.1); c.53891G>A, p.Arg17964Lys (NM_003319.4); c.73382G>A, p.Arg24461Lys (NM_133378.4); c.54266G>A, p.Arg18089Lys (NM_133432.3); c.54467G>A, p.Arg18156Lys (NM_133437.4); short protein forms R25388K, R27029K, R17964K, R18089K, R24461K, R18156K.
Identifiers: ClinVar variation 202903 (VCV000202903.2), dbSNP rs794729510, ClinGen allele CA310641.

ClinVar aggregate classification (germline): Uncertain significance (1 of 4 stars; one submission).

Submission:

GeneDx
Classification: Uncertain significance. Last evaluated: 2014-09-04. Review status: criteria provided, single submitter. Criteria: GeneDx Variant Classification (06012015). Collection method: clinical testing. Allele origin: germline. Affected: yes.
Comment: Missense variants in the TTN gene are considered 'unclassified' if they are not previously reported in the literature and do not have >1% frequency in the population to be considered a polymorphism. Research indicates that truncating mutations in the TTN gene are expected to account for approximately 25% of familial and 18% of sporadic idiopathic DCM; however, truncating variants in the TTN gene have been reported in approximately 3% of reported control alleles. There has been little investigation into non-truncating variants. (Herman D et al. Truncations of titin causing dilated cardiomyopathy. N Eng J Med 366:619-628, 2012) The variant is found in CARDIOMYOPATHY panel(s).